The following is an entry in ClinVar:

NM_001206927.2(DNAH8):c.12939C>A (p.Cys4313Ter)

Gene: DNAH8 (dynein axonemal heavy chain 8; plus strand). Cytogenetic location: 6p21.2.
Variant type: single nucleotide variant.
Coding change: c.12939C>A on transcript NM_001206927.2 (MANE Select); coding-DNA position 12939, C replaced by A.
Protein change: p.Cys4313Ter; replaces cysteine 4313 with a stop codon.
Molecular consequence: nonsense.
Genome position (GRCh38, 1-based): chr6:38,982,450, C>A. VCF-style: chr6-38982450-C-A. GRCh37 (hg19) VCF-style: chr6-38950226-C-A.
Other names: c.12288C>A, p.Cys4096Ter (NM_001371.4); short protein forms C4096*, C4313*.
Identifiers: ClinVar variation 2769547 (VCV002769547.3), dbSNP rs751151452, ClinGen allele CA364008206.

ClinVar aggregate classification (germline): Pathogenic (1 of 4 stars; one submission).

Conditions:
Primary ciliary dyskinesia. Also called: Ciliary dyskinesia. Identifiers: Orphanet 244, MedGen C0008780, MONDO:0016575, HP:0012265.

gnomAD v4.1: 3 of 1,510,320 alleles (0.0002%); highest among the groups gnomAD compares: Non-Finnish European, 0.00018%; no homozygotes.

Submission:

Labcorp Genetics (formerly Invitae), Labcorp
Classification: Pathogenic for Primary ciliary dyskinesia. Last evaluated: 2023-10-17. Review status: criteria provided, single submitter. Criteria: Invitae Variant Classification Sherloc (09022015). Collection method: clinical testing. Allele origin: germline.
Comment: This sequence change creates a premature translational stop signal (p.Cys4313*) in the DNAH8 gene. It is expected to result in an absent or disrupted protein product. Loss-of-function variants in DNAH8 are known to be pathogenic (PMID: 24307375, 32619401, 32681648). This variant is not present in population databases (gnomAD no frequency). This variant has not been reported in the literature in individuals affected with DNAH8-related conditions. For these reasons, this variant has been classified as Pathogenic.

Literature cited by the submitters: PubMed 24307375; PubMed 32619401; PubMed 32681648.